The following is an entry in ClinVar:

NM_000059.4(BRCA2):c.6938-120T>C

Gene: BRCA2 (BRCA2 DNA repair associated; plus strand). Cytogenetic location: 13q13.1.
Variant type: single nucleotide variant.
Coding change: c.6938-120T>C on transcript NM_000059.4 (MANE Select); 120 bases into the intron before coding-DNA position 6938, T replaced by C.
Molecular consequence: intron variant.
Genome position (GRCh38, 1-based): chr13:32,346,707, T>C. VCF-style: chr13-32346707-T-C. GRCh37 (hg19) VCF-style: chr13-32920844-T-C.
Other names: IVS 12-120T>C.
Identifiers: ClinVar variation 209939 (VCV000209939.6), dbSNP rs206080, ClinGen allele CA276906.

ClinVar aggregate classification (germline): Benign. Review status: reviewed by expert panel (3 of 4 stars). 8 submissions from 7 submitters: Benign (1). 7 of the submissions do not count toward it. Last evaluated 2015-01-12.

Conditions:
Familial cancer of breast. Also called: BREAST CANCER, FAMILIAL; Hereditary breast cancer; hereditary breast carcinoma. Identifiers: Orphanet 227535, MedGen C0346153, MONDO:0016419, OMIM 114480. Disease mechanism: loss of function.
Breast-ovarian cancer, familial, susceptibility to, 2 (BROVCA2). Also called: BRCA2 Hereditary Breast and Ovarian Cancer. Identifiers: Orphanet 145, MedGen C2675520, MONDO:0012933, OMIM 612555. Disease mechanism: loss of function.

Allele frequency attached by ClinVar (database versions not stated): 1000 Genomes Project 30x 0.97267; 1000 Genomes Project 0.97404; TOPMed 0.97594; gnomAD exomes 0.99740.
gnomAD v4.1: 685,448 of 690,196 alleles (99%); highest among the groups gnomAD compares: East Asian, 100%; 340,509 homozygotes.

Submissions (8):

Evidence-based Network for the Interpretation of Germline Mutant Alleles (ENIGMA)
Classification: Benign for Breast-ovarian cancer, familial 2. Last evaluated: 2015-01-12. Review status: reviewed by expert panel. Criteria: ENIGMA BRCA1/2 Classification Criteria (2015). Collection method: curation. Allele origin: germline.
Comment: Class 1 not pathogenic based on frequency >1% in an outbred sampleset. Frequency 0.8902 (African), derived from 1000 genomes (2012-04-30).

KCCC/NGS Laboratory, Kuwait Cancer Control Center
Classification: Benign for Familial cancer of breast. Last evaluated: 2025-02-01. Review status: criteria provided, single submitter. Criteria: ACMG Guidelines, 2015. Collection method: clinical testing. Allele origin: germline. Affected: no. Not counted in ClinVar's aggregate classification.

KCCC/NGS Laboratory, Kuwait Cancer Control Center
Classification: Benign for Breast-ovarian cancer, familial, susceptibility to, 2. Last evaluated: 2023-07-07. Review status: criteria provided, single submitter. Criteria: ACMG Guidelines, 2015. Collection method: clinical testing. Allele origin: germline. Affected: yes. Not counted in ClinVar's aggregate classification.

GeneDx
Classification: Benign. Last evaluated: 2018-06-22. Review status: criteria provided, single submitter. Criteria: GeneDx Variant Classification Process June 2021. Collection method: clinical testing. Allele origin: germline. Affected: yes. Not counted in ClinVar's aggregate classification.

GeneKor MSA
Classification: Benign. Last evaluated: 2017-11-01. Review status: criteria provided, single submitter. Criteria: ACMG Guidelines, 2015. Collection method: clinical testing. Allele origin: germline. Affected: yes. Not counted in ClinVar's aggregate classification.

Breakthrough Genomics
Classification: Benign. Review status: criteria provided, single submitter. Criteria: ACMG Guidelines, 2015. Collection method: not provided. Allele origin: germline. Inheritance: Autosomal recessive inheritance. Affected: yes. Not counted in ClinVar's aggregate classification.

Clinical Genetics Laboratory, Department of Pathology, Netherlands Cancer Institute
Classification: Benign. Review status: no assertion criteria provided. Collection method: clinical testing. Allele origin: germline. Affected: yes. Study: VKGL Data-share Consensus. Not counted in ClinVar's aggregate classification.

Genome Diagnostics Laboratory, University Medical Center Utrecht
Classification: Benign. Review status: no assertion criteria provided. Collection method: clinical testing. Allele origin: germline. Affected: yes. Study: VKGL Data-share Consensus. Not counted in ClinVar's aggregate classification.